The following is an entry in ClinVar:

ClinVar aggregate classification (germline): Benign/Likely benign. Review status: criteria provided, multiple submitters, no conflicts (2 of 4 stars). 3 submissions from 3 submitters: Benign (2); Likely benign (1). Last evaluated 2026-01-20.

Conditions:
Meier-Gorlin syndrome 1 (MGORS1). Also called: EAR, PATELLA, SHORT STATURE SYNDROME. Identifiers: Orphanet 2554, MedGen C4552001, MONDO:0009143, OMIM 224690.

Allele frequency attached by ClinVar (database versions not stated): gnomAD exomes 0.00033 and 0.00092; ExAC 0.00114; 1000 Genomes Project 30x 0.00312; 1000 Genomes Project 0.00319; gnomAD 0.00343 and 0.00366; ESP Exome Variant Server 0.00377; TOPMed 0.00402.
gnomAD v4.1: 1,029 of 1,612,702 alleles (0.064%); highest among the groups gnomAD compares: African/African-American, 1.2%; 8 homozygotes.

Submissions (3):

Labcorp Genetics (formerly Invitae), Labcorp
Classification: Benign. Last evaluated: 2026-01-20. Review status: criteria provided, single submitter. Criteria: Invitae Variant Classification Sherloc (09022015). Collection method: clinical testing. Allele origin: germline.

CeGaT Center for Human Genetics Tuebingen
Classification: Likely benign. Last evaluated: 2026-01-01. Review status: criteria provided, single submitter. Criteria: CeGaT Center For Human Genetics Tuebingen Variant Classification Criteria Version 2. Collection method: clinical testing. Allele origin: germline. Affected: yes. Observed: 1 variant allele.
Comment: ORC1: BP4, BS1

Illumina Laboratory Services, Illumina
Classification: Benign for Meier-Gorlin syndrome 1. Last evaluated: 2018-01-12. Review status: criteria provided, single submitter. Criteria: ICSL Variant Classification Criteria 13 December 2019. Collection method: clinical testing. Allele origin: germline.
Comment: This variant was observed in the ICSL laboratory as part of a predisposition screen in an ostensibly healthy population. It had not been previously curated by ICSL or reported in the Human Gene Mutation Database (HGMD: prior to June 1st, 2018), and was therefore a candidate for classification through an automated scoring system. Utilizing variant allele frequency, disease prevalence and penetrance estimates, and inheritance mode, an automated score was calculated to assess if this variant is too frequent to cause the disease. Based on the score and internal cut-off values, a variant classified as benign is not then subjected to further curation. The score for this variant resulted in a classification of benign for this disease.

NM_004153.4(ORC1):c.1584-4C>G

Gene: ORC1 (origin recognition complex subunit 1; minus strand). Cytogenetic location: 1p32.3.
Variant type: single nucleotide variant.
Coding change: c.1584-4C>G on transcript NM_004153.4 (MANE Select); 4 bases into the intron before coding-DNA position 1584, C replaced by G.
Molecular consequence: intron variant.
Genome position (GRCh38, 1-based): chr1:52,384,725, G>C on the plus strand (C>G on the coding strand, the complement: ORC1 is on the minus strand). VCF-style: chr1-52384725-G-C. GRCh37 (hg19) VCF-style: chr1-52850397-G-C.
Other names: c.1584-4C>G (NM_001190818.2); c.1569-4C>G (NM_001190819.2).
Identifiers: ClinVar variation 297582 (VCV000297582.19), dbSNP rs114617697, ClinGen allele CA853265.